The following is an entry in ClinVar:

NM_000051.4(ATM):c.4420C>A (p.His1474Asn)

Gene: ATM (ATM serine/threonine kinase; plus strand). Cytogenetic location: 11q22.3.
Variant type: single nucleotide variant.
Coding change: c.4420C>A on transcript NM_000051.4 (MANE Select); coding-DNA position 4420, C replaced by A.
Protein change: p.His1474Asn; replaces histidine 1474 with asparagine.
Molecular consequence: missense variant.
Genome position (GRCh38, 1-based): chr11:108,289,785, C>A. VCF-style: chr11-108289785-C-A. GRCh37 (hg19) VCF-style: chr11-108160512-C-A.
Other names: c.4420C>A, p.His1474Asn (NM_001351834.2); short protein forms H1474N.
Identifiers: ClinVar variation 220998 (VCV000220998.11), dbSNP rs587779840, ClinGen allele CA348817.

ClinVar aggregate classification (germline): Uncertain significance. Review status: criteria provided, multiple submitters, no conflicts (2 of 4 stars). 3 submissions from 3 submitters: Uncertain significance (3). Last evaluated 2025-11-09.

Conditions:
Hereditary cancer-predisposing syndrome. Also called: Tumor predisposition; Hereditary neoplastic syndrome; Neoplastic Syndromes, Hereditary; Hereditary Cancer Syndrome. Identifiers: Orphanet 140162, MedGen C0027672, MeSH D009386, MONDO:0015356.
Ataxia-telangiectasia syndrome (AT). Also called: Ataxia-telangiectasia, complementation group E; AT, COMPLEMENTATION GROUP C; ATAXIA-TELANGIECTASIA, COMPLEMENTATION GROUP A; ATAXIA-TELANGIECTASIA, FRESNO VARIANT; Ataxia-telangiectasia; LOUIS-BAR SYNDROME. Identifiers: Orphanet 100, MedGen C0004135, MONDO:0008840, OMIM 208900.

Submissions (3):

Labcorp Genetics (formerly Invitae), Labcorp
Classification: Uncertain significance for Ataxia-telangiectasia syndrome. Last evaluated: 2025-11-09. Review status: criteria provided, single submitter. Criteria: Invitae Variant Classification Sherloc (09022015). Collection method: clinical testing. Allele origin: germline.
Comment: This sequence change replaces histidine, which is basic and polar, with asparagine, which is neutral and polar, at codon 1474 of the ATM protein (p.His1474Asn). This variant is not present in population databases (gnomAD no frequency). This variant has not been reported in the literature in individuals affected with ATM-related conditions. ClinVar contains an entry for this variant (Variation ID: 220998). Invitae Evidence Modeling of protein sequence and biophysical properties (such as structural, functional, and spatial information, amino acid conservation, physicochemical variation, residue mobility, and thermodynamic stability) has been performed for this missense variant. However, the output from this modeling did not meet the statistical confidence thresholds required to predict the impact of this variant on ATM protein function. In summary, the available evidence is currently insufficient to determine the role of this variant in disease. Therefore, it has been classified as a Variant of Uncertain Significance.

Ambry Genetics
Classification: Uncertain significance for Hereditary cancer-predisposing syndrome. Last evaluated: 2024-11-22. Review status: criteria provided, single submitter. Criteria: Ambry Variant Classification Scheme 2023. Collection method: clinical testing. Allele origin: germline.
Comment: The p.H1474N variant (also known as c.4420C>A), located in coding exon 28 of the ATM gene, results from a C to A substitution at nucleotide position 4420. The histidine at codon 1474 is replaced by asparagine, an amino acid with similar properties. This amino acid position is highly conserved in available vertebrate species. In addition, the in silico prediction for this alteration is inconclusive. Based on the available evidence, the clinical significance of this variant remains unclear.

Women's Health and Genetics/Laboratory Corporation of America, LabCorp
Classification: Uncertain significance. Last evaluated: 2023-05-05. Review status: criteria provided, single submitter. Criteria: LabCorp Variant Classification Summary - May 2015. Collection method: clinical testing. Allele origin: germline.
Comment: Variant summary: ATM c.4420C>A (p.His1474Asn) results in a conservative amino acid change in the encoded protein sequence. Three of five in-silico tools predict a damaging effect of the variant on protein function. The variant was absent in 250390 control chromosomes (gnomAD). The available data on variant occurrences in the general population are insufficient to allow any conclusion about variant significance. To our knowledge, no occurrence of c.4420C>A in individuals affected with Breast Cancer and no experimental evidence demonstrating its impact on protein function have been reported. Two clinical diagnostic laboratories have submitted clinical-significance assessments for this variant to ClinVar after 2014 and classified the variant as uncertain significance. Based on the evidence outlined above, the variant was classified as uncertain significance.